The following is an entry in ClinVar:

ClinVar aggregate classification (germline): Uncertain significance. Review status: criteria provided, multiple submitters, no conflicts (2 of 4 stars). 5 submissions from 5 submitters: Uncertain significance (5). Last evaluated 2025-11-11.

Conditions:
History of neurodevelopmental disorder. Identifiers: MedGen C2711754.
Simpson-Golabi-Behmel syndrome type 1 (SGBS1). Also called: SIMPSON DYSMORPHIA SYNDROME; GPC3-Related Simpson-Golabi-Behmel Syndrome Type 1; BULLDOG SYNDROME; DYSPLASIA GIGANTISM SYNDROME, X-LINKED; GOLABI-ROSEN SYNDROME. Identifiers: Orphanet 373, MedGen C0796154, MONDO:0020602, OMIM 312870.
Wilms tumor 1 (WT1). Also called: Wilms tumor, somatic. Identifiers: Orphanet 654, MedGen CN033288, MONDO:0008679, OMIM 194070.

Allele frequency attached by ClinVar (database versions not stated): gnomAD exomes below 0.00001 and 0.00001; ExAC 0.00001; gnomAD 0.00001; 1000 Genomes Project 30x 0.00021; 1000 Genomes Project 0.00026.
gnomAD v4.1: 4 of 1,210,620 alleles (0.00033%); highest among the groups gnomAD compares: South Asian, 0.007%; no homozygotes.

Submissions (5):

Women's Health and Genetics/Laboratory Corporation of America, LabCorp
Classification: Uncertain significance. Last evaluated: 2025-11-11. Review status: criteria provided, single submitter. Criteria: LabCorp Variant Classification Summary - May 2015. Collection method: clinical testing. Allele origin: germline.
Comment: Variant summary: GPC3 c.1277A>G (p.Gln426Arg) results in a conservative amino acid change in the encoded protein sequence. Algorithms developed to predict the effect of missense changes on protein structure and function are either unavailable or do not agree on the potential impact of this missense change. The variant allele was found at a frequency of 5.5e-06 in 183408 control chromosomes. The available data on variant occurrences in the general population are insufficient to allow any conclusion about variant significance. To our knowledge, no occurrence of c.1277A>G in individuals affected with GPC3-related conditions and no experimental evidence demonstrating its impact on protein function have been reported. ClinVar contains an entry for this variant (Variation ID: 589096). Based on the evidence outlined above, the variant was classified as uncertain significance.

Labcorp Genetics (formerly Invitae), Labcorp
Classification: Uncertain significance for Wilms tumor 1. Last evaluated: 2023-07-06. Review status: criteria provided, single submitter. Criteria: Invitae Variant Classification Sherloc (09022015). Collection method: clinical testing. Allele origin: germline.
Comment: This variant has not been reported in the literature in individuals affected with GPC3-related conditions. This sequence change replaces glutamine, which is neutral and polar, with arginine, which is basic and polar, at codon 426 of the GPC3 protein (p.Gln426Arg). This variant is present in population databases (rs749874149, gnomAD 0.005%). ClinVar contains an entry for this variant (Variation ID: 589096). Advanced modeling of protein sequence and biophysical properties (such as structural, functional, and spatial information, amino acid conservation, physicochemical variation, residue mobility, and thermodynamic stability) performed at Invitae indicates that this missense variant is not expected to disrupt GPC3 protein function. In summary, the available evidence is currently insufficient to determine the role of this variant in disease. Therefore, it has been classified as a Variant of Uncertain Significance.

Fulgent Genetics
Classification: Uncertain significance for Wilms tumor 1; Simpson-Golabi-Behmel syndrome type 1. Last evaluated: 2021-11-08. Review status: criteria provided, single submitter. Criteria: ACMG Guidelines, 2015. Collection method: clinical testing. Allele origin: unknown.

Ambry Genetics
Classification: Uncertain significance for History of neurodevelopmental disorder. Last evaluated: 2017-05-26. Review status: criteria provided, single submitter. Criteria: Ambry Autosomal Dominant and X-Linked criteria (3/2017). Collection method: clinical testing. Allele origin: germline. Observed: 1 variant allele.
Comment: There is insufficient or conflicting evidence for classification of this alteration.

Neuberg Centre For Genomic Medicine, NCGM
Classification: Uncertain significance for Simpson-Golabi-Behmel syndrome type 1. Review status: criteria provided, single submitter. Criteria: ACMG Guidelines, 2015. Collection method: clinical testing. Allele origin: germline. Inheritance: X-linked recessive inheritance. Affected: yes.
Comment: The missense c.1277A>Gp.Gln426Arg variant in GPC3 gene has not been reported previously as a pathogenic variant nor as a benign variant, to our knowledge. This variant is reported with the allele frequency of 0.0005% in the gnomAD Exomes and novel in 1000 Genomes. This variant has been reported to the ClinVar database as Uncertain Significance multipel submitters. However, no details are available for independent assessment. The amino acid Gln at position 426 is changed to a Arg changing protein sequence and it might alter its composition and physico-chemical properties. The amino acid change p.Gln426Arg in GPC3 is predicted as conserved by GERP++ and PhyloP across 100 vertebrates. The variant is predicted as damaging by SIFT. For these reasons, this variant has been classified as Uncertain Significance.

NM_004484.4(GPC3):c.1277A>G (p.Gln426Arg)

Gene: GPC3 (glypican 3; minus strand). Cytogenetic location: Xq26.2.
Variant type: single nucleotide variant.
Coding change: c.1277A>G on transcript NM_004484.4 (MANE Select); coding-DNA position 1277, A replaced by G.
Protein change: p.Gln426Arg; replaces glutamine 426 with arginine.
Molecular consequence: missense variant.
Genome position (GRCh38, 1-based): chrX:133,692,384, T>C on the plus strand (A>G on the coding strand, the complement: GPC3 is on the minus strand). VCF-style: chrX-133692384-T-C. GRCh37 (hg19) VCF-style: chrX-132826412-T-C.
Other names: c.1346A>G, p.Gln449Arg (NM_001164617.2); c.1229A>G, p.Gln410Arg (NM_001164618.2); c.1115A>G, p.Gln372Arg (NM_001164619.2); short protein forms Q426R, Q372R, Q449R, Q410R.
Identifiers: ClinVar variation 589096 (VCV000589096.16), dbSNP rs749874149, ClinGen allele CA10520694.